The following is an entry in ClinVar:

ClinVar aggregate classification (germline): Uncertain significance (1 of 4 stars; one submission).

Conditions:
Melanoma, cutaneous malignant, susceptibility to, 5. Also called: Cutaneous malignant melanoma 5. Identifiers: Orphanet 618, MedGen C2751295, MONDO:0013133, OMIM 613099.

Submission:

Labcorp Genetics (formerly Invitae), Labcorp
Classification: Uncertain significance for Melanoma, cutaneous malignant, susceptibility to, 5. Last evaluated: 2023-04-07. Review status: criteria provided, single submitter. Criteria: Invitae Variant Classification Sherloc (09022015). Collection method: clinical testing. Allele origin: unknown.
Comment: In summary, the available evidence is currently insufficient to determine the role of this variant in disease. Therefore, it has been classified as a Variant of Uncertain Significance. This variant has not been reported in the literature in individuals affected with MC1R-related conditions. A copy number gain of the genomic region encompassing the full coding sequence of the MC1R gene has been identified. The boundaries of this event are unknown as they extend beyond the assayed region for this gene and therefore may encompass additional genes. As the precise location of this event is unknown, it may be in tandem or it may be located elsewhere in the genome.

NC_000016.10:g.(?_89919259)_(89920212_?)dup

Gene: MC1R (melanocortin 1 receptor; plus strand). Cytogenetic location: 16q24.3.
Variant type: Duplication.
Identifiers: ClinVar variation 3243488 (VCV003243488.1).